The following is an entry in ClinVar:

ClinVar aggregate classification (germline): Uncertain significance. Review status: criteria provided, multiple submitters, no conflicts (2 of 4 stars). 3 submissions from 3 submitters: Uncertain significance (3). Last evaluated 2026-01-31.

Conditions:
Hereditary cancer-predisposing syndrome. Also called: Neoplastic Syndromes, Hereditary; Tumor predisposition; Hereditary neoplastic syndrome; Hereditary Cancer Syndrome. Identifiers: Orphanet 140162, MedGen C0027672, MeSH D009386, MONDO:0015356.
Endometrial carcinoma. Also called: Endometrial carcinoma, somatic. Identifiers: MedGen C0476089, MONDO:0002447, OMIM 608089, HP:0012114.

Allele frequency attached by ClinVar (database versions not stated): gnomAD exomes 0.00002; TOPMed 0.00002; ExAC 0.00004.
gnomAD v4.1: 10 of 1,604,112 alleles (0.00062%); highest among the groups gnomAD compares: East Asian, 0.009%; no homozygotes.

Submissions (3):

Labcorp Genetics (formerly Invitae), Labcorp
Classification: Uncertain significance. Last evaluated: 2026-01-31. Review status: criteria provided, single submitter. Criteria: Invitae Variant Classification Sherloc (09022015). Collection method: clinical testing. Allele origin: germline.
Comment: This sequence change replaces proline, which is neutral and non-polar, with arginine, which is basic and polar, at codon 346 of the MSH3 protein (p.Pro346Arg). This variant is present in population databases (rs773569755, gnomAD 0.01%). This variant has not been reported in the literature in individuals affected with MSH3-related conditions. ClinVar contains an entry for this variant (Variation ID: 661871). An algorithm developed to predict the effect of missense changes on protein structure and function (PolyPhen-2) suggests that this variant is likely to be tolerated. In summary, the available evidence is currently insufficient to determine the role of this variant in disease. Therefore, it has been classified as a Variant of Uncertain Significance.

Ambry Genetics
Classification: Uncertain significance for Hereditary cancer-predisposing syndrome. Last evaluated: 2025-12-07. Review status: criteria provided, single submitter. Criteria: Ambry Variant Classification Scheme 2023. Collection method: clinical testing. Allele origin: germline.
Comment: The p.P346R variant (also known as c.1037C>G), located in coding exon 7 of the MSH3 gene, results from a C to G substitution at nucleotide position 1037. The proline at codon 346 is replaced by arginine, an amino acid with dissimilar properties. This amino acid position is conserved. In addition, this alteration is predicted to be deleterious by in silico analysis. Since supporting evidence is limited at this time, the clinical significance of this alteration remains unclear.

Baylor Genetics
Classification: Uncertain significance for Endometrial carcinoma. Last evaluated: 2023-06-23. Review status: criteria provided, single submitter. Criteria: ACMG Guidelines, 2015. Collection method: clinical testing. Allele origin: unknown.

NM_002439.5(MSH3):c.1037C>G (p.Pro346Arg)

Gene: MSH3 (mutS homolog 3; plus strand). Cytogenetic location: 5q14.1.
Variant type: single nucleotide variant.
Coding change: c.1037C>G on transcript NM_002439.5 (MANE Select); coding-DNA position 1037, C replaced by G.
Protein change: p.Pro346Arg; replaces proline 346 with arginine.
Molecular consequence: missense variant.
Genome position (GRCh38, 1-based): chr5:80,674,992, C>G. VCF-style: chr5-80674992-C-G. GRCh37 (hg19) VCF-style: chr5-79970811-C-G.
Other names: short protein forms P346R.
Identifiers: ClinVar variation 661871 (VCV000661871.16), dbSNP rs773569755, ClinGen allele CA3327784.